The following is an entry in ClinVar:

NM_000829.4(GRIA4):c.790T>C (p.Leu264=)

Gene: GRIA4 (glutamate ionotropic receptor AMPA type subunit 4; plus strand). Cytogenetic location: 11q22.3.
Variant type: single nucleotide variant.
Coding change: c.790T>C on transcript NM_000829.4 (MANE Select); coding-DNA position 790, T replaced by C.
Protein change: p.Leu264=; no amino-acid change (leucine 264 retained).
Molecular consequence: synonymous variant. On other transcripts: non-coding transcript variant (1).
Genome position (GRCh38, 1-based): chr11:105,898,332, T>C. VCF-style: chr11-105898332-T-C. GRCh37 (hg19) VCF-style: chr11-105769058-T-C.
Other names: c.790T>C, p.Leu264= (NM_001077243.3, NM_001077244.2, NM_001112812.2).
Identifiers: ClinVar variation 3067334 (VCV003067334.21), dbSNP rs564332353, ClinGen allele CA6258505.
Genomic context (GRCh38, chr11:105,898,332, plus strand): 5'-TTCAAGGATATTTCTCTTGAGAGGTTTATACATGGTGGAGCCAATGTTACTGGATTCCAG[T>C]TGGTGGATTTTAATACACCTATGGTAATCAAACTAATGGATCGCTGGAAGAAACTAGATC-3'
Protein context (NP_000820.4, residues 254-274): HGGANVTGFQ[Leu264=]VDFNTPMVIK

ClinVar aggregate classification (germline): Likely benign (1 of 4 stars; one submission).

Allele frequency attached by ClinVar (database versions not stated): TOPMed 0.00003; gnomAD 0.00006; gnomAD exomes 0.00016; ExAC 0.00033; 1000 Genomes Project 0.00040; 1000 Genomes Project 30x 0.00047.
gnomAD v4.1: 230 of 1,575,564 alleles (0.015%); highest among the groups gnomAD compares: South Asian, 0.23%; 2 homozygotes.

Submission:

CeGaT Center for Human Genetics Tuebingen
Classification: Likely benign. Last evaluated: 2024-03-01. Review status: criteria provided, single submitter. Criteria: CeGaT Center For Human Genetics Tuebingen Variant Classification Criteria Version 2. Collection method: clinical testing. Allele origin: germline. Affected: yes. Observed: 1 variant allele.
Comment: GRIA4: BP4, BP7